The following is an entry in ClinVar:

NM_000548.5(TSC2):c.98del (p.Gly33fs)

Gene: TSC2 (TSC complex subunit 2; plus strand). Cytogenetic location: 16p13.3.
Variant type: Deletion.
Coding change: c.98del on transcript NM_000548.5 (MANE Select); coding-DNA position 98, one base deleted (G; older notation c.98delG).
Protein change: p.Gly33fs; shifts the reading frame from glycine 33.
Molecular consequence: frameshift variant. On other transcripts: 5 prime UTR variant (19), non-coding transcript variant (5), intron variant (6).
Genome position (GRCh38, 1-based): chr16:2,048,713, G deleted; the last of 3 consecutive G bases (chr16:2,048,711-2,048,713); deleting any one gives the same sequence. VCF-style (leftmost placement, unchanged base first): chr16-2048710-AG-A. GRCh37 (hg19) VCF-style: chr16-2098711-AG-A.
Other names: c.98del, p.Gly33fs (NM_001077183.3, NM_001114382.3, NM_001318827.2 and 13 more transcripts); c.-129del (NM_001318831.2, NM_001406682.1, NM_001406684.1 and 2 more transcripts); c.131del, p.Gly44fs (NM_001318832.2); c.-719del (NM_001406680.1, NM_001406683.1, NM_001406687.1); c.-348del (NM_001406681.1); c.-1334del (NM_001406689.1, NM_001406690.1, NM_001406691.1 and 2 more transcripts); c.-1640del (NM_001406693.1); c.-1215del (NM_001406694.1, NM_001406695.1); and 4 more; short protein forms G33fs, G44fs.
Identifiers: ClinVar variation 3384226 (VCV003384226.1).
Genomic context (GRCh38, chr16:2,048,710, plus strand): 5'-AGGAGAAGTTTAAGATTCTGTTGGGACTGGGAACACCGAGGCCAAATCCCAGGTCTGCAG[AG>A]GGTAAACAGACGGAGTTTATCATCACCGCGGAAATACTGAGAGTGAGTGAGCTACCTGTG-3'

ClinVar aggregate classification (germline): Pathogenic (0 of 4 stars; one submission).

Conditions:
Tuberous sclerosis 2 (TSC2). Identifiers: Orphanet 805, MedGen C1860707, MONDO:0013199, OMIM 613254.

Submission:

Clinical Genetics, Synlab MVZ Humangenetik Freiburg
Classification: Pathogenic for Tuberous sclerosis 2. Last evaluated: 2024-08-06. Review status: no assertion criteria provided. Collection method: clinical testing. Allele origin: germline. Affected: yes.
Comment: The variant has not previously been described as pathogenic (HGMD Professional 2024.2) and is not listed in control databases (dbSNP, gnomAD v2.1.1). ACMG crit